The following is an entry in ClinVar:

NM_001376.5(DYNC1H1):c.1915C>T (p.Arg639Cys)

Gene: DYNC1H1 (dynein cytoplasmic 1 heavy chain 1; plus strand). Cytogenetic location: 14q32.31.
Variant type: single nucleotide variant.
Coding change: c.1915C>T on transcript NM_001376.5 (MANE Select); coding-DNA position 1915, C replaced by T.
Protein change: p.Arg639Cys; replaces arginine 639 with cysteine.
Molecular consequence: missense variant.
Genome position (GRCh38, 1-based): chr14:101,986,140, C>T. VCF-style: chr14-101986140-C-T. GRCh37 (hg19) VCF-style: chr14-102452477-C-T.
Other names: short protein forms R639C.
Identifiers: ClinVar variation 2580112 (VCV002580112.1), dbSNP rs2503694867, ClinGen allele CA391019896.

ClinVar aggregate classification (germline): Uncertain significance (1 of 4 stars; one submission).

Allele frequency attached by ClinVar (database versions not stated): gnomAD exomes below 0.00001.
gnomAD v4.1: 2 of 1,614,194 alleles (0.00012%); highest among the groups gnomAD compares: Non-Finnish European, 0.00017%; no homozygotes.

Submission:

GeneDx
Classification: Uncertain significance. Last evaluated: 2023-09-14. Review status: criteria provided, single submitter. Criteria: GeneDx Variant Classification Process June 2021. Collection method: clinical testing. Allele origin: germline. Affected: yes.
Comment: Not observed at significant frequency in large population cohorts (gnomAD); In silico analysis supports that this missense variant has a deleterious effect on protein structure/function; Has not been previously published as pathogenic or benign to our knowledge; This variant is associated with the following publications: (PMID: 26100331, 25512093, 25609763)